The following is an entry in ClinVar:

NC_000004.12:g.(?_5797002)_(5797252_?)del

Gene: EVC (EvC ciliary complex subunit 1; plus strand). Cytogenetic location: 4p16.2.
Variant type: Deletion.
Identifiers: ClinVar variation 583701 (VCV000583701.5).

ClinVar aggregate classification (germline): Pathogenic (1 of 4 stars; one submission).

Conditions:
Curry-Hall syndrome (WAD). Also called: WEYERS ACRODENTAL DYSOSTOSIS. Identifiers: Orphanet 952, MedGen C0457013, MONDO:0008673, OMIM 193530.
Ellis-van Creveld syndrome (EVC). Also called: EVC-Related Ellis-van Creveld Syndrome; EVC2-Related Ellis-van Creveld Syndrome; Chondroectodermal dysplasia; MESOECTODERMAL DYSPLASIA. Identifiers: Orphanet 289, MedGen C0013903, MONDO:0009162, OMIM 225500.

Submission:

Labcorp Genetics (formerly Invitae), Labcorp
Classification: Pathogenic for Curry-Hall syndrome; Ellis-van Creveld syndrome. Last evaluated: 2022-07-11. Review status: criteria provided, single submitter. Criteria: Invitae Variant Classification Sherloc (09022015). Collection method: clinical testing. Allele origin: germline.
Comment: This variant is a gross deletion of the genomic region encompassing exon(s) 14 of the EVC gene. This deletion is out-of-frame, and is expected to create a premature termination codon and result in an absent or disrupted protein product. Loss-of-function variants in EVC are known to be pathogenic (PMID: 23220543). A similar copy number variant has been observed in individuals with a clinical diagnosis of Ellis-van Creveld syndrome (Invitae). For these reasons, this variant has been classified as Pathogenic.

Literature cited by the submitters: PubMed 23220543.